The following is an entry in ClinVar:

ClinVar aggregate classification (germline): Uncertain significance. Review status: criteria provided, multiple submitters, no conflicts (2 of 4 stars). 2 submissions from 2 submitters: Uncertain significance (2). Last evaluated 2025-02-26.

Conditions:
Hereditary cancer-predisposing syndrome. Also called: Neoplastic Syndromes, Hereditary; Tumor predisposition; Hereditary neoplastic syndrome; Hereditary Cancer Syndrome. Identifiers: Orphanet 140162, MedGen C0027672, MeSH D009386, MONDO:0015356.

Submissions (2):

Labcorp Genetics (formerly Invitae), Labcorp
Classification: Uncertain significance. Last evaluated: 2025-02-26. Review status: criteria provided, single submitter. Criteria: Invitae Variant Classification Sherloc (09022015). Collection method: clinical testing. Allele origin: germline.
Comment: This sequence change replaces serine, which is neutral and polar, with isoleucine, which is neutral and non-polar, at codon 679 of the POLE protein (p.Ser679Ile). The frequency data for this variant in the population databases is considered unreliable, as metrics indicate poor data quality at this position in the gnomAD database. This variant has not been reported in the literature in individuals affected with POLE-related conditions. ClinVar contains an entry for this variant (Variation ID: 3225406). Invitae Evidence Modeling of protein sequence and biophysical properties (such as structural, functional, and spatial information, amino acid conservation, physicochemical variation, residue mobility, and thermodynamic stability) has been performed for this missense variant. However, the output from this modeling did not meet the statistical confidence thresholds required to predict the impact of this variant on POLE protein function. In summary, the available evidence is currently insufficient to determine the role of this variant in disease. Therefore, it has been classified as a Variant of Uncertain Significance.

Ambry Genetics
Classification: Uncertain significance for Hereditary cancer-predisposing syndrome. Last evaluated: 2023-11-11. Review status: criteria provided, single submitter. Criteria: Ambry Variant Classification Scheme 2023. Collection method: clinical testing. Allele origin: germline.
Comment: The p.S679I variant (also known as c.2036G>T), located in coding exon 19 of the POLE gene, results from a G to T substitution at nucleotide position 2036. The serine at codon 679 is replaced by isoleucine, an amino acid with dissimilar properties. This amino acid position is conserved. In addition, the in silico prediction for this alteration is inconclusive. Since supporting evidence is limited at this time, the clinical significance of this alteration remains unclear.

NM_006231.4(POLE):c.2036G>T (p.Ser679Ile)

Gene: POLE (DNA polymerase epsilon, catalytic subunit; minus strand). Cytogenetic location: 12q24.33.
Variant type: single nucleotide variant.
Coding change: c.2036G>T on transcript NM_006231.4 (MANE Select); coding-DNA position 2036, G replaced by T.
Protein change: p.Ser679Ile; replaces serine 679 with isoleucine.
Molecular consequence: missense variant.
Genome position (GRCh38, 1-based): chr12:132,668,493, C>A on the plus strand (G>T on the coding strand, the complement: POLE is on the minus strand). VCF-style: chr12-132668493-C-A. GRCh37 (hg19) VCF-style: chr12-133245079-C-A.
Other names: short protein forms S679I.
Identifiers: ClinVar variation 3225406 (VCV003225406.3), dbSNP rs1182422200, ClinGen allele CA387354435.